The following is an entry in ClinVar:

NM_025265.4(TSEN2):c.1286T>C (p.Met429Thr)

Gene: TSEN2 (tRNA splicing endonuclease subunit 2; plus strand). Cytogenetic location: 3p25.2.
Variant type: single nucleotide variant.
Coding change: c.1286T>C on transcript NM_025265.4 (MANE Select); coding-DNA position 1286, T replaced by C.
Protein change: p.Met429Thr; replaces methionine 429 with threonine.
Molecular consequence: missense variant. On other transcripts: non-coding transcript variant (1).
Genome position (GRCh38, 1-based): chr3:12,531,607, T>C. VCF-style: chr3-12531607-T-C. GRCh37 (hg19) VCF-style: chr3-12573106-T-C.
Other names: c.1286T>C, p.Met429Thr (NM_001145392.2, NM_001321277.2, NM_001321278.2); c.1208T>C, p.Met403Thr (NM_001145393.3, NM_001321279.2); c.1109T>C, p.Met370Thr (NM_001145394.2); short protein forms M370T, M403T, M429T.
Identifiers: ClinVar variation 1382146 (VCV001382146.6), dbSNP rs749739005, ClinGen allele CA2258819.

ClinVar aggregate classification (germline): Uncertain significance (1 of 4 stars; one submission).

Allele frequency attached by ClinVar (database versions not stated): gnomAD exomes 0.00007; ExAC 0.00006; TOPMed 0.00005; gnomAD 0.00001.
gnomAD v4.1: 23 of 1,613,250 alleles (0.0014%); highest among the groups gnomAD compares: Admixed American, 0.038%; no homozygotes.

Submission:

Labcorp Genetics (formerly Invitae), Labcorp
Classification: Uncertain significance. Last evaluated: 2021-08-11. Review status: criteria provided, single submitter. Criteria: Invitae Variant Classification Sherloc (09022015). Collection method: clinical testing. Allele origin: germline.
Comment: This sequence change replaces methionine with threonine at codon 429 of the TSEN2 protein (p.Met429Thr). The methionine residue is moderately conserved and there is a moderate physicochemical difference between methionine and threonine. This variant is present in population databases (rs749739005, ExAC 0.06%). This variant has not been reported in the literature in individuals affected with TSEN2-related conditions. In summary, the available evidence is currently insufficient to determine the role of this variant in disease. Therefore, it has been classified as a Variant of Uncertain Significance. Algorithms developed to predict the effect of missense changes on protein structure and function (SIFT, PolyPhen-2, Align-GVGD) all suggest that this variant is likely to be disruptive.